The following is an entry in ClinVar:

ClinVar aggregate classification (germline): Likely benign. Review status: criteria provided, multiple submitters, no conflicts (2 of 4 stars). 3 submissions from 3 submitters: Likely benign (3). Last evaluated 2025-11-18.

Conditions:
LRSAM1-related disorder. Also called: LRSAM1-related condition.
Charcot-Marie-Tooth disease axonal type 2P. Also called: Charcot-Marie-Tooth Neuropathy Type 2G; CHARCOT-MARIE-TOOTH NEUROPATHY, TYPE 2P; CHARCOT-MARIE-TOOTH DISEASE, AXONAL, TYPE 2G; CMT 2G. Identifiers: Orphanet 300319, Orphanet 99941, MedGen C3280797, MONDO:0013753, OMIM 614436.

Allele frequency attached by ClinVar (database versions not stated): gnomAD 0.00001; gnomAD exomes 0.00001 and 0.00003; TOPMed 0.00001; ExAC 0.00004.
gnomAD v4.1: 12 of 1,603,292 alleles (0.00075%); highest among the groups gnomAD compares: Admixed American, 0.0017%; no homozygotes.

Submissions (3):

PreventionGenetics, part of Exact Sciences
Classification: Likely benign for LRSAM1-related condition. Last evaluated: 2025-11-18. Review status: criteria provided, single submitter. Criteria: ACMG Guidelines, 2015. Collection method: clinical testing. Allele origin: germline.
Comment: This variant is classified as likely benign based on ACMG/AMP sequence variant interpretation guidelines (Richards et al. 2015 PMID: 25741868, with internal and published modifications).

Women's Health and Genetics/Laboratory Corporation of America, LabCorp
Classification: Likely benign. Last evaluated: 2025-09-04. Review status: criteria provided, single submitter. Criteria: LabCorp Variant Classification Summary - May 2015. Collection method: clinical testing. Allele origin: germline.

Labcorp Genetics (formerly Invitae), Labcorp
Classification: Likely benign for Charcot-Marie-Tooth disease axonal type 2P. Last evaluated: 2023-11-01. Review status: criteria provided, single submitter. Criteria: Invitae Variant Classification Sherloc (09022015). Collection method: clinical testing. Allele origin: germline.

NM_001005373.4(LRSAM1):c.1152C>T (p.Asp384=)

Gene: LRSAM1 (leucine rich repeat and sterile alpha motif containing 1; plus strand). Cytogenetic location: 9q33.3.
Variant type: single nucleotide variant.
Coding change: c.1152C>T on transcript NM_001005373.4 (MANE Select); coding-DNA position 1152, C replaced by T.
Protein change: p.Asp384=; no amino-acid change (aspartic acid 384 retained).
Molecular consequence: synonymous variant. On other transcripts: non-coding transcript variant (2).
Genome position (GRCh38, 1-based): chr9:127,483,013, C>T. VCF-style: chr9-127483013-C-T. GRCh37 (hg19) VCF-style: chr9-130245292-C-T.
Other names: c.1152C>T, p.Asp384= (NM_001005374.4, NM_001190723.3, NM_001384142.1 and 2 more transcripts); c.363C>T, p.Asp121= (NM_001384144.1).
Identifiers: ClinVar variation 697091 (VCV000697091.12), dbSNP rs760074620, ClinGen allele CA5246854.